The following is an entry in ClinVar:

NM_023110.3(FGFR1):c.937A>G (p.Thr313Ala)

Gene: FGFR1 (fibroblast growth factor receptor 1; minus strand). Cytogenetic location: 8p11.23.
Variant type: single nucleotide variant.
Coding change: c.937A>G on transcript NM_023110.3 (MANE Select); coding-DNA position 937, A replaced by G.
Protein change: p.Thr313Ala; replaces threonine 313 with alanine.
Molecular consequence: missense variant.
Genome position (GRCh38, 1-based): chr8:38,421,941, T>C on the plus strand (A>G on the coding strand, the complement: FGFR1 is on the minus strand). VCF-style: chr8-38421941-T-C. GRCh37 (hg19) VCF-style: chr8-38279459-T-C.
Other names: c.937A>G, p.Thr313Ala (NM_001174063.2); c.913A>G, p.Thr305Ala (NM_001174064.2); c.931A>G, p.Thr311Ala (NM_001174065.2, NM_001354367.2, NM_001354369.2 and 2 more transcripts); c.670A>G, p.Thr224Ala (NM_001174066.2, NM_023105.3); c.1030A>G, p.Thr344Ala (NM_001174067.2); c.664A>G, p.Thr222Ala (NM_001354368.2, NM_001354370.2, NM_023106.3); short protein forms T222A, T224A, T305A, T311A, T313A, T344A.
Identifiers: ClinVar variation 4885068 (VCV004885068.2).

ClinVar aggregate classification (germline): Uncertain significance (1 of 4 stars; one submission).

Submission:

Dasa
Classification: Uncertain significance. Last evaluated: 2025-09-11. Review status: criteria provided, single submitter. Criteria: DASA Assertion Criteria. Collection method: clinical testing. Allele origin: germline.
Comment: NM_023110.3(FGFR1):c.937A>G (p.Thr313Ala) is a missense variant that results in the substitution of threonine with alanine. This variant is absent from population databases. The currently available literature and clinical evidence are not sufficient to establish a definitive association between this variant and the reported condition. Therefore, this variant is classified as a variant of uncertain significance.